The following is an entry in ClinVar:

ClinVar aggregate classification (germline): Uncertain significance. Review status: criteria provided, multiple submitters, no conflicts (2 of 4 stars). 3 submissions from 3 submitters: Uncertain significance (3). Last evaluated 2025-11-05.

Conditions:
Hereditary cancer-predisposing syndrome. Also called: Tumor predisposition; Neoplastic Syndromes, Hereditary; Hereditary Cancer Syndrome; Hereditary neoplastic syndrome. Identifiers: Orphanet 140162, MedGen C0027672, MeSH D009386, MONDO:0015356.
Neurofibromatosis, type 2 (SWNV). Also called: NF2-Related Schwannomatosis; SCHWANNOMATOSIS, VESTIBULAR; BILATERAL ACOUSTIC NEUROFIBROMATOSIS. Identifiers: Orphanet 637, MedGen C0027832, MONDO:0007039, OMIM 101000. Disease mechanism: loss of function.

Allele frequency attached by ClinVar (database versions not stated): TOPMed below 0.00001.

Submissions (3):

Ambry Genetics
Classification: Uncertain significance for Hereditary cancer-predisposing syndrome. Last evaluated: 2025-11-05. Review status: criteria provided, single submitter. Criteria: Ambry Variant Classification Scheme 2023. Collection method: clinical testing. Allele origin: germline.
Comment: The p.M77I variant (also known as c.231G>A), located in coding exon 2 of the NF2 gene, results from a G to A substitution at nucleotide position 231. The methionine at codon 77 is replaced by isoleucine, an amino acid with highly similar properties. This amino acid position is conserved. In addition, the in silico prediction for this alteration is inconclusive. Since supporting evidence is limited at this time, the clinical significance of this alteration remains unclear.

All of Us Research Program, National Institutes of Health
Classification: Uncertain significance for Neurofibromatosis, type 2. Last evaluated: 2023-12-01. Review status: criteria provided, single submitter. Criteria: ACMG Guidelines, 2015. Collection method: clinical testing. Allele origin: germline. Inheritance: Autosomal dominant inheritance. Observed: 1 variant allele, 1 heterozygote.
Comment: This study involves interpretation of variants in research participants for the purpose of population health screening. Participant phenotype was not available at the time of variant classification. Additional details can be found in publication PMID: 35346344, PMCID: PMC8962531

Labcorp Genetics (formerly Invitae), Labcorp
Classification: Uncertain significance for Neurofibromatosis, type 2. Last evaluated: 2023-09-13. Review status: criteria provided, single submitter. Criteria: Invitae Variant Classification Sherloc (09022015). Collection method: clinical testing. Allele origin: germline.
Comment: In summary, the available evidence is currently insufficient to determine the role of this variant in disease. Therefore, it has been classified as a Variant of Uncertain Significance. Studies have shown that this missense change is associated with altered splicing resulting in unknown protein product impact (Invitae). Advanced modeling of protein sequence and biophysical properties (such as structural, functional, and spatial information, amino acid conservation, physicochemical variation, residue mobility, and thermodynamic stability) performed at Invitae indicates that this missense variant is not expected to disrupt NF2 protein function. ClinVar contains an entry for this variant (Variation ID: 1789555). This variant has not been reported in the literature in individuals affected with NF2-related conditions. This variant is not present in population databases (gnomAD no frequency). This sequence change replaces methionine, which is neutral and non-polar, with isoleucine, which is neutral and non-polar, at codon 77 of the NF2 protein (p.Met77Ile).

NM_000268.4(NF2):c.231G>A (p.Met77Ile)

Gene: NF2 (NF2, moesin-ezrin-radixin like (MERLIN) tumor suppressor; plus strand). Cytogenetic location: 22q12.2.
Variant type: single nucleotide variant.
Coding change: c.231G>A on transcript NM_000268.4 (MANE Select); coding-DNA position 231, G replaced by A.
Protein change: p.Met77Ile; replaces methionine 77 with isoleucine.
Molecular consequence: missense variant. On other transcripts: non-coding transcript variant (1), intron variant (3).
Genome position (GRCh38, 1-based): chr22:29,636,867, G>A. VCF-style: chr22-29636867-G-A. GRCh37 (hg19) VCF-style: chr22-30032856-G-A.
Other names: c.117G>A, p.Met39Ile (NM_001407053.1, NM_001407056.1); c.231G>A, p.Met77Ile (NM_001407054.1, NM_001407057.1, NM_001407058.1 and 9 more transcripts); c.-410G>A (NM_001407065.1); c.-26G>A (NM_001407067.1); c.115-2223G>A (NM_181828.3); c.115-5335G>A (NM_181830.3, NM_181831.3); short protein forms M77I, M39I.
Identifiers: ClinVar variation 1789555 (VCV001789555.7), dbSNP rs998713939, ClinGen allele CA323119397.